The following is an entry in ClinVar:

NM_000260.4(MYO7A):c.2362G>A (p.Gly788Arg)

Gene: MYO7A (myosin VIIA; plus strand). Cytogenetic location: 11q13.5.
Variant type: single nucleotide variant.
Coding change: c.2362G>A on transcript NM_000260.4 (MANE Select); coding-DNA position 2362, G replaced by A.
Protein change: p.Gly788Arg; replaces glycine 788 with arginine.
Molecular consequence: missense variant.
Genome position (GRCh38, 1-based): chr11:77,179,124, G>A. VCF-style: chr11-77179124-G-A. GRCh37 (hg19) VCF-style: chr11-76890170-G-A.
Other names: c.2362G>A, p.Gly788Arg (NM_001127180.2); c.2329G>A, p.Gly777Arg (NM_001369365.1); short protein forms G788R, G777R.
Identifiers: ClinVar variation 964474 (VCV000964474.9), dbSNP rs1174297656, ClinGen allele CA381941084.

ClinVar aggregate classification (germline): Uncertain significance. Review status: criteria provided, multiple submitters, no conflicts (2 of 4 stars). 3 submissions from 3 submitters: Uncertain significance (2). 1 of the submissions does not count toward it. Last evaluated 2025-03-12.

Conditions:
MYO7A-related disorder. Also called: MYO7A-related disorders.
Usher syndrome type 1B (USH1B). Also called: Usher syndrome type IB. Identifiers: MedGen C1848638, MONDO:0700087.

Allele frequency attached by ClinVar (database versions not stated): gnomAD 0.00001; TOPMed 0.00001.
gnomAD v4.1: 5 of 1,599,180 alleles (0.00031%); highest among the groups gnomAD compares: Admixed American, 0.0034%; no homozygotes.

Submissions (3):

PreventionGenetics, part of Exact Sciences
Classification: Uncertain significance for MYO7A-related condition. Last evaluated: 2025-03-12. Review status: criteria provided, single submitter. Criteria: ACMG Guidelines, 2015. Collection method: clinical testing. Allele origin: germline.
Comment: The MYO7A c.2362G>A variant is predicted to result in the amino acid substitution p.Gly788Arg. To our knowledge, this variant has not been reported in the literature or population database gnomAD, indicating that this variant is rare. At this time, the clinical significance of this variant is uncertain due to the absence of conclusive functional and genetic evidence.

Labcorp Genetics (formerly Invitae), Labcorp
Classification: Uncertain significance. Last evaluated: 2022-10-28. Review status: criteria provided, single submitter. Criteria: Invitae Variant Classification Sherloc (09022015). Collection method: clinical testing. Allele origin: germline.
Comment: This sequence change replaces glycine, which is neutral and non-polar, with arginine, which is basic and polar, at codon 788 of the MYO7A protein (p.Gly788Arg). This variant is not present in population databases (gnomAD no frequency). This variant has not been reported in the literature in individuals affected with MYO7A-related conditions. ClinVar contains an entry for this variant (Variation ID: 964474). Advanced modeling of protein sequence and biophysical properties (such as structural, functional, and spatial information, amino acid conservation, physicochemical variation, residue mobility, and thermodynamic stability) performed at Invitae indicates that this missense variant is not expected to disrupt MYO7A protein function. In summary, the available evidence is currently insufficient to determine the role of this variant in disease. Therefore, it has been classified as a Variant of Uncertain Significance.

Natera, Inc.
Classification: Uncertain significance for Usher syndrome type 1B. Last evaluated: 2021-04-05. Review status: no assertion criteria provided. Collection method: clinical testing. Allele origin: germline. Not counted in ClinVar's aggregate classification.